The following is an entry in ClinVar:

NM_016373.4(WWOX):c.1172A>G (p.Glu391Gly)

Genes: MAF (MAF bZIP transcription factor; minus strand), WWOX (WW domain containing oxidoreductase; plus strand). Cytogenetic location: 16q23.2.
Variant type: single nucleotide variant.
Coding change: c.1172A>G on transcript NM_016373.4 (MANE Select); coding-DNA position 1172, A replaced by G.
Protein change: p.Glu391Gly; replaces glutamic acid 391 with glycine.
Molecular consequence: missense variant.
Genome position (GRCh38, 1-based): chr16:79,211,723, A>G. VCF-style: chr16-79211723-A-G. GRCh37 (hg19) VCF-style: chr16-79245620-A-G.
Other names: c.833A>G, p.Glu278Gly (NM_001291997.2); short protein forms E391G, E278G.
Identifiers: ClinVar variation 838781 (VCV000838781.13), dbSNP rs369959670, ClinGen allele CA8183773.
Genomic context (GRCh38, chr16:79,211,723, plus strand): 5'-TGGGAGGGATGTACTTCAACAACTGCTGCCGCTGCATGCCCTCACCAGAAGCTCAGAGCG[A>G]AGAGACGGCCCGGACCCTGTGGGCGCTCAGCGAGAGGCTGATCCAAGAACGGCTTGGCAG-3'
Protein context (NP_057457.1, residues 381-401): RCMPSPEAQS[Glu391Gly]ETARTLWALS

ClinVar aggregate classification (germline): Uncertain significance. Review status: criteria provided, multiple submitters, no conflicts (2 of 4 stars). 4 submissions from 4 submitters: Uncertain significance (4). Last evaluated 2025-02-03.

Conditions:
Inborn genetic diseases. Identifiers: MedGen C0950123, MeSH D030342.
Developmental and epileptic encephalopathy, 1 (DEE1). Also called: INFANTILE SPASM SYNDROME, X-LINKED 1; X-linked infantile spasms; West's syndrome; Tonic spasms with clustering, arrest of psychomotor development and hypsarrhythmia on EEG; X-Linked Infantile Spasm Syndrome; Epileptic encephalopathy, early infantile, 1. Identifiers: MedGen C3463992, MONDO:0010632, OMIM 308350. Disease mechanism: loss of function.
Autosomal recessive spinocerebellar ataxia 12. Also called: SPINOCEREBELLAR ATAXIA WITH MENTAL RETARDATION AND EPILEPSY. Identifiers: Orphanet 284282, MedGen C3280452, MONDO:0013687, OMIM 614322.

Allele frequency attached by ClinVar (database versions not stated): gnomAD exomes 0.00002 and 0.00004; ExAC 0.00005; ESP Exome Variant Server 0.00008; 1000 Genomes Project 0.00020; gnomAD 0.00023 and 0.00025; TOPMed 0.00023; 1000 Genomes Project 30x 0.00031.
gnomAD v4.1: 60 of 1,614,206 alleles (0.0037%); highest among the groups gnomAD compares: African/African-American, 0.076%; no homozygotes.

Submissions (4):

Labcorp Genetics (formerly Invitae), Labcorp
Classification: Uncertain significance for Developmental and epileptic encephalopathy, 1; Autosomal recessive spinocerebellar ataxia 12. Last evaluated: 2025-02-03. Review status: criteria provided, single submitter. Criteria: Invitae Variant Classification Sherloc (09022015). Collection method: clinical testing. Allele origin: germline.
Comment: This sequence change replaces glutamic acid, which is acidic and polar, with glycine, which is neutral and non-polar, at codon 391 of the WWOX protein (p.Glu391Gly). This variant is present in population databases (rs369959670, gnomAD 0.05%). This variant has not been reported in the literature in individuals affected with WWOX-related conditions. ClinVar contains an entry for this variant (Variation ID: 838781). Invitae Evidence Modeling of protein sequence and biophysical properties (such as structural, functional, and spatial information, amino acid conservation, physicochemical variation, residue mobility, and thermodynamic stability) indicates that this missense variant is not expected to disrupt WWOX protein function with a negative predictive value of 80%. In summary, the available evidence is currently insufficient to determine the role of this variant in disease. Therefore, it has been classified as a Variant of Uncertain Significance.

Women's Health and Genetics/Laboratory Corporation of America, LabCorp
Classification: Uncertain significance. Last evaluated: 2024-09-23. Review status: criteria provided, single submitter. Criteria: LabCorp Variant Classification Summary - May 2015. Collection method: clinical testing. Allele origin: germline.
Comment: Variant summary: WWOX c.1172A>G (p.Glu391Gly) results in a non-conservative amino acid change located in the WWOX, classical (c)-like SDR domain (IPR042732) of the encoded protein sequence. Four of five in-silico tools predict a benign effect of the variant on protein function. The variant allele was found at a frequency of 4e-05 in 249538 control chromosomes. This frequency is not significantly higher than estimated for a pathogenic variant in WWOX causing Autosomal Recessive Early Infantile Epileptic Encephalopathy, allowing no conclusion about variant significance. To our knowledge, no occurrence of c.1172A>G in individuals affected with Early Infantile Epileptic Encephalopathy and no experimental evidence demonstrating its impact on protein function have been reported. ClinVar contains an entry for this variant (Variation ID: 838781). Based on the evidence outlined above, the variant was classified as uncertain significance.

Ambry Genetics
Classification: Uncertain significance for Inborn genetic diseases. Last evaluated: 2024-06-07. Review status: criteria provided, single submitter. Criteria: Ambry Variant Classification Scheme 2023. Collection method: clinical testing. Allele origin: germline.

GeneDx
Classification: Uncertain significance. Last evaluated: 2024-01-23. Review status: criteria provided, single submitter. Criteria: GeneDx Variant Classification Process June 2021. Collection method: clinical testing. Allele origin: germline. Affected: yes.
Comment: In silico analysis supports that this missense variant does not alter protein structure/function; Has not been previously published as pathogenic or benign to our knowledge